The following is an entry in ClinVar:

ClinVar aggregate classification (germline): Conflicting classifications of pathogenicity. Review status: criteria provided, conflicting classifications (1 of 4 stars). 7 submissions from 7 submitters: Uncertain significance (1); Likely benign (5). 1 of the submissions does not count toward it. Last evaluated 2026-01-20.

Conditions:
DOLK-related disorder. Also called: DOLK-related condition.
DK1-congenital disorder of glycosylation. Also called: CONGENITAL DISORDER OF GLYCOSYLATION, TYPE Im; CDG Im; DK1 DEFICIENCY; DOLICHOL KINASE DEFICIENCY; DOLK-congenital disorder of glycosylation; Carbohydrate deficient glycoprotein syndrome type 1m. Identifiers: Orphanet 91131, MedGen C1835849, MONDO:0012556, OMIM 610768.
Cardiovascular phenotype. Identifiers: MedGen CN230736.

Allele frequency attached by ClinVar (database versions not stated): gnomAD 0.00006; gnomAD exomes 0.00010 and 0.00054; TOPMed 0.00025; ExAC 0.00032.
gnomAD v4.1: 156 of 1,613,530 alleles (0.0097%); highest among the groups gnomAD compares: Admixed American, 0.25%; no homozygotes.

Submissions (7):

Labcorp Genetics (formerly Invitae), Labcorp
Classification: Likely benign for DK1-congenital disorder of glycosylation. Last evaluated: 2026-01-20. Review status: criteria provided, single submitter. Criteria: Invitae Variant Classification Sherloc (09022015). Collection method: clinical testing. Allele origin: germline.

Mayo Clinic Laboratories, Mayo Clinic
Classification: Likely benign. Last evaluated: 2025-11-02. Review status: criteria provided, single submitter. Criteria: ACMG Guidelines, 2015. Collection method: clinical testing. Allele origin: germline. Observed: 1 variant allele.
Comment: BS1, BP4

Women's Health and Genetics/Laboratory Corporation of America, LabCorp
Classification: Uncertain significance. Last evaluated: 2025-04-25. Review status: criteria provided, single submitter. Criteria: LabCorp Variant Classification Summary - May 2015. Collection method: clinical testing. Allele origin: germline.

Fulgent Genetics
Classification: Likely benign for DK1-congenital disorder of glycosylation. Last evaluated: 2021-09-24. Review status: criteria provided, single submitter. Criteria: ACMG Guidelines, 2015. Collection method: clinical testing. Allele origin: unknown.

GeneDx
Classification: Likely benign. Last evaluated: 2019-06-04. Review status: criteria provided, single submitter. Criteria: GeneDx Variant Classification Process June 2021. Collection method: clinical testing. Allele origin: germline. Affected: yes.

Ambry Genetics
Classification: Likely benign for Cardiovascular phenotype. Last evaluated: 2019-03-15. Review status: criteria provided, single submitter. Criteria: Ambry Variant Classification Scheme 2023. Collection method: clinical testing. Allele origin: germline.

PreventionGenetics, part of Exact Sciences
Classification: Likely benign for DOLK-related condition. Last evaluated: 2022-07-15. Review status: no assertion criteria provided. Collection method: clinical testing. Allele origin: germline. Not counted in ClinVar's aggregate classification.
Comment: This variant is classified as likely benign based on ACMG/AMP sequence variant interpretation guidelines (Richards et al. 2015 PMID: 25741868, with internal and published modifications).

NM_014908.4(DOLK):c.52G>A (p.Gly18Arg)

Gene: DOLK (dolichol kinase; minus strand). Cytogenetic location: 9q34.11.
Variant type: single nucleotide variant.
Coding change: c.52G>A on transcript NM_014908.4 (MANE Select); coding-DNA position 52, G replaced by A.
Protein change: p.Gly18Arg; replaces glycine 18 with arginine.
Molecular consequence: missense variant.
Genome position (GRCh38, 1-based): chr9:128,947,252, C>T on the plus strand (G>A on the coding strand, the complement: DOLK is on the minus strand). VCF-style: chr9-128947252-C-T. GRCh37 (hg19) VCF-style: chr9-131709531-C-T.
Other names: p.Gly18Arg; short protein forms G18R.
Identifiers: ClinVar variation 464201 (VCV000464201.23), dbSNP rs777998210, ClinGen allele CA5271804.